The following is an entry in ClinVar:

NM_015693.4(INTU):c.2771C>T (p.Ser924Leu)

Gene: INTU (inturned planar cell polarity protein; plus strand). Cytogenetic location: 4q28.1.
Variant type: single nucleotide variant.
Coding change: c.2771C>T on transcript NM_015693.4 (MANE Select); coding-DNA position 2771, C replaced by T.
Protein change: p.Ser924Leu; replaces serine 924 with leucine.
Molecular consequence: missense variant.
Genome position (GRCh38, 1-based): chr4:127,716,378, C>T. VCF-style: chr4-127716378-C-T. GRCh37 (hg19) VCF-style: chr4-128637533-C-T.
Other names: short protein forms S924L.
Identifiers: ClinVar variation 2999091 (VCV002999091.3), dbSNP rs1318285216, ClinGen allele CA358145283.
Genomic context (GRCh38, chr4:127,716,378, plus strand): 5'-TCTGCAGGAGACTTTTTCTTCATCCAAAACCTCAAGAACTTTATGTCTGTTTTCATGACT[C>T]AGTCACAGAAATTGCCATTGAAATAGCTTTTAAATTGTTCTTTGGGTTAACCTTGTAGCT-3'
Protein context (NP_056508.2, residues 914-934): PQELYVCFHD[Ser924Leu]VTEIAIEIAF

ClinVar aggregate classification (germline): Uncertain significance (1 of 4 stars; one submission).

Allele frequency attached by ClinVar (database versions not stated): gnomAD exomes below 0.00001; TOPMed 0.00001.
gnomAD v4.1: 1 of 1,591,264 alleles (0.000063%); highest among the groups gnomAD compares: Admixed American, 0.0018%; no homozygotes.

Submission:

Labcorp Genetics (formerly Invitae), Labcorp
Classification: Uncertain significance. Last evaluated: 2024-12-03. Review status: criteria provided, single submitter. Criteria: Invitae Variant Classification Sherloc (09022015). Collection method: clinical testing. Allele origin: germline.
Comment: This sequence change replaces serine, which is neutral and polar, with leucine, which is neutral and non-polar, at codon 924 of the INTU protein (p.Ser924Leu). This variant is present in population databases (no rsID available, gnomAD 0.003%). This variant has not been reported in the literature in individuals affected with INTU-related conditions. ClinVar contains an entry for this variant (Variation ID: 2999091). Invitae Evidence Modeling of protein sequence and biophysical properties (such as structural, functional, and spatial information, amino acid conservation, physicochemical variation, residue mobility, and thermodynamic stability) indicates that this missense variant is expected to disrupt INTU protein function with a positive predictive value of 80%. In summary, the available evidence is currently insufficient to determine the role of this variant in disease. Therefore, it has been classified as a Variant of Uncertain Significance.